The following is an entry in ClinVar:

NM_001843.4(CNTN1):c.1362G>A (p.Trp454Ter)

Gene: CNTN1 (contactin 1; plus strand). Cytogenetic location: 12q12.
Variant type: single nucleotide variant.
Coding change: c.1362G>A on transcript NM_001843.4 (MANE Select); coding-DNA position 1362, G replaced by A.
Protein change: p.Trp454Ter; replaces tryptophan 454 with a stop codon.
Molecular consequence: nonsense.
Genome position (GRCh38, 1-based): chr12:40,939,468, G>A. VCF-style: chr12-40939468-G-A. GRCh37 (hg19) VCF-style: chr12-41333270-G-A.
Other names: c.1362G>A, p.Trp454Ter (NM_001256063.2, NM_001256064.2); c.1329G>A, p.Trp443Ter (NM_175038.2); short protein forms W454*, W443*.
Identifiers: ClinVar variation 3662140 (VCV003662140.2).

ClinVar aggregate classification (germline): Pathogenic (1 of 4 stars; one submission).

Conditions:
Compton-North congenital myopathy (CMYO12). Identifiers: Orphanet 210163, MedGen C2675527, MONDO:0012929, OMIM 612540.

Submission:

Labcorp Genetics (formerly Invitae), Labcorp
Classification: Pathogenic for Compton-North congenital myopathy. Last evaluated: 2024-08-12. Review status: criteria provided, single submitter. Criteria: Invitae Variant Classification Sherloc (09022015). Collection method: clinical testing. Allele origin: germline.
Comment: This sequence change creates a premature translational stop signal (p.Trp454*) in the CNTN1 gene. It is expected to result in an absent or disrupted protein product. Loss-of-function variants in CNTN1 are known to be pathogenic (PMID: 19026398, 22242131). This variant is not present in population databases (gnomAD no frequency). This variant has not been reported in the literature in individuals affected with CNTN1-related conditions. For these reasons, this variant has been classified as Pathogenic.

Literature cited by the submitters: PubMed 19026398; PubMed 22242131.